The following is an entry in ClinVar:

ClinVar aggregate classification (germline): Conflicting classifications of pathogenicity. Review status: criteria provided, conflicting classifications (1 of 4 stars). 6 submissions from 6 submitters: Uncertain significance (1); Likely benign (5). Last evaluated 2026-01-13.

Conditions:
Autosomal recessive nonsyndromic hearing loss 9. Also called: Deafness, autosomal recessive 9; OTOF-Related Hearing Loss; NEUROSENSORY NONSYNDROMIC RECESSIVE DEAFNESS 9; AUDITORY NEUROPATHY, AUTOSOMAL RECESSIVE, 1, TEMPERATURE-SENSITIVE. Identifiers: Orphanet 90636, MedGen C1832828, MONDO:0010986, OMIM 601071.

Allele frequency attached by ClinVar (database versions not stated): gnomAD 0.00002 and 0.00003; TOPMed 0.00002; gnomAD exomes 0.00003 and 0.00004; ExAC 0.00004.
gnomAD v4.1: 49 of 1,613,814 alleles (0.003%); highest among the groups gnomAD compares: Non-Finnish European, 0.0041%; no homozygotes.

Submissions (6):

Labcorp Genetics (formerly Invitae), Labcorp
Classification: Likely benign. Last evaluated: 2026-01-13. Review status: criteria provided, single submitter. Criteria: Invitae Variant Classification Sherloc (09022015). Collection method: clinical testing. Allele origin: germline.

Laboratory of Genetics, Children's Clinical University Hospital Latvia
Classification: Likely benign. Last evaluated: 2025-02-16. Review status: criteria provided, single submitter. Criteria: ACMG Guidelines, 2015. Collection method: clinical testing. Allele origin: germline. Affected: yes.

Blueprint Genetics
Classification: Likely benign. Last evaluated: 2024-08-26. Review status: criteria provided, single submitter. Criteria: ACMG Guidelines, 2015. Collection method: clinical testing. Allele origin: germline.

CeGaT Center for Human Genetics Tuebingen
Classification: Likely benign. Last evaluated: 2023-06-01. Review status: criteria provided, single submitter. Criteria: CeGaT Center For Human Genetics Tuebingen Variant Classification Criteria Version 2. Collection method: clinical testing. Allele origin: germline. Affected: yes. Observed: 1 variant allele.
Comment: OTOF: BP4, BP7

Illumina Laboratory Services, Illumina
Classification: Uncertain significance for Autosomal recessive nonsyndromic hearing loss 9. Last evaluated: 2018-01-13. Review status: criteria provided, single submitter. Criteria: ICSL Variant Classification Criteria 13 December 2019. Collection method: clinical testing. Allele origin: germline.

Laboratory for Molecular Medicine, Mass General Brigham Personalized Medicine
Classification: Likely benign. Last evaluated: 2017-08-23. Review status: criteria provided, single submitter. Criteria: LMM Criteria. Collection method: clinical testing. Allele origin: germline. Observed: 1 variant allele.
Comment: p.Leu1734Leu in exon 42 of OTOF: This variant is not expected to have clinical s ignificance because it does not alter an amino acid residue and is not located w ithin the splice consensus sequence. It has been identified in 0.01% (5/66590) o f European chromosomes by the Exome Aggregation Consortium (ExAC; dbSNP rs770579181).

NM_194248.3(OTOF):c.5202G>A (p.Leu1734=)

Gene: OTOF (otoferlin; minus strand). Cytogenetic location: 2p23.3.
Variant type: single nucleotide variant.
Coding change: c.5202G>A on transcript NM_194248.3 (MANE Select); coding-DNA position 5202, G replaced by A.
Protein change: p.Leu1734=; no amino-acid change (leucine 1734 retained).
Molecular consequence: synonymous variant.
Genome position (GRCh38, 1-based): chr2:26,462,172, C>T on the plus strand (G>A on the coding strand, the complement: OTOF is on the minus strand). VCF-style: chr2-26462172-C-T. GRCh37 (hg19) VCF-style: chr2-26685040-C-T.
Other names: c.5202G>A, p.Leu1734= (NM_001287489.2); c.2901G>A, p.Leu967= (NM_004802.4, NM_194323.3); c.3132G>A, p.Leu1044= (NM_194322.3).
Identifiers: ClinVar variation 667144 (VCV000667144.37), dbSNP rs770579181, ClinGen allele CA1562891.